The following is an entry in ClinVar:

NM_014319.5(LEMD3):c.2665A>G (p.Asn889Asp)

Gene: LEMD3 (LEM domain containing 3; plus strand). Cytogenetic location: 12q14.3.
Variant type: single nucleotide variant.
Coding change: c.2665A>G on transcript NM_014319.5 (MANE Select); coding-DNA position 2665, A replaced by G.
Protein change: p.Asn889Asp; replaces asparagine 889 with aspartic acid.
Molecular consequence: missense variant.
Genome position (GRCh38, 1-based): chr12:65,246,254, A>G. VCF-style: chr12-65246254-A-G. GRCh37 (hg19) VCF-style: chr12-65640034-A-G.
Other names: c.2662A>G, p.Asn888Asp (NM_001167614.2); short protein forms N888D, N889D.
Identifiers: ClinVar variation 3613887 (VCV003613887.2).

ClinVar aggregate classification (germline): Uncertain significance (1 of 4 stars; one submission).

gnomAD v4.1: 6 of 1,613,378 alleles (0.00037%); highest among the groups gnomAD compares: African/African-American, 0.0053%; no homozygotes.

Submission:

Labcorp Genetics (formerly Invitae), Labcorp
Classification: Uncertain significance. Last evaluated: 2024-12-19. Review status: criteria provided, single submitter. Criteria: Invitae Variant Classification Sherloc (09022015). Collection method: clinical testing. Allele origin: germline.
Comment: This sequence change replaces asparagine, which is neutral and polar, with aspartic acid, which is acidic and polar, at codon 889 of the LEMD3 protein (p.Asn889Asp). This variant is present in population databases (rs146215492, gnomAD 0.007%). This variant has not been reported in the literature in individuals affected with LEMD3-related conditions. Invitae Evidence Modeling of protein sequence and biophysical properties (such as structural, functional, and spatial information, amino acid conservation, physicochemical variation, residue mobility, and thermodynamic stability) indicates that this missense variant is not expected to disrupt LEMD3 protein function with a negative predictive value of 80%. In summary, the available evidence is currently insufficient to determine the role of this variant in disease. Therefore, it has been classified as a Variant of Uncertain Significance.